The following is an entry in ClinVar:

NM_000133.4(F9):c.658T>A (p.Ser220Thr)

Gene: F9 (coagulation factor IX; plus strand). Cytogenetic location: Xq27.1.
Variant type: single nucleotide variant.
Coding change: c.658T>A on transcript NM_000133.4 (MANE Select); coding-DNA position 658, T replaced by A.
Protein change: p.Ser220Thr; replaces serine 220 with threonine.
Molecular consequence: missense variant.
Genome position (GRCh38, 1-based): chrX:139,551,199, T>A. VCF-style: chrX-139551199-T-A. GRCh37 (hg19) VCF-style: chrX-138633358-T-A.
Other names: c.544T>A, p.Ser182Thr (NM_001313913.2); short protein forms S220T, S182T.
Identifiers: ClinVar variation 368001 (VCV000368001.19), dbSNP rs777361659, ClinGen allele CA10529817.
Genomic context (GRCh38, chrX:139,551,199, plus strand): 5'-GACTATGTAAATTCTACTGAAGCTGAAACCATTTTGGATAACATCACTCAAAGCACCCAA[T>A]CATTTAATGACTTCACTCGGGTTGTTGGTGGAGAAGATGCCAAACCAGGTCAATTCCCTT-3'
Protein context (NP_000124.1, residues 210-230): ILDNITQSTQ[Ser220Thr]FNDFTRVVGG

ClinVar aggregate classification (germline): Benign/Likely benign. Review status: criteria provided, multiple submitters, no conflicts (2 of 4 stars). 5 submissions from 5 submitters: Benign (2); Likely benign (2). 1 of the submissions does not count toward it. Last evaluated 2026-02-17.

Conditions:
Warfarin sensitivity, X-linked. Also called: COUMARIN SENSITIVITY, X-LINKED. Identifiers: MedGen C5393318, OMIM 301052, MONDO:0026768.
Thrombophilia, X-linked, due to factor 9 defect. Identifiers: MedGen C2749016, MONDO:0010432, OMIM 300807.
Hereditary factor IX deficiency disease (HEMB). Also called: F9 DEFICIENCY; FACTOR IX DEFICIENCY; Hemophilia B; Christmas Disease; PLASMA THROMBOPLASTIN COMPONENT DEFICIENCY. Identifiers: Orphanet 98879, MedGen C0008533, MeSH D002836, MONDO:0010604, OMIM 306900.
F9-related disorder. Also called: F9-related condition.

Allele frequency attached by ClinVar (database versions not stated): gnomAD 0.00004; gnomAD exomes 0.00006 and 0.00035; TOPMed 0.00028; ExAC 0.00034.
gnomAD v4.1: 74 of 1,209,534 alleles (0.0061%); highest among the groups gnomAD compares: Admixed American, 0.16%; 1 homozygote.

Submissions (5):

Women's Health and Genetics/Laboratory Corporation of America, LabCorp
Classification: Likely benign. Last evaluated: 2026-02-17. Review status: criteria provided, single submitter. Criteria: LabCorp Variant Classification Summary - May 2015. Collection method: clinical testing. Allele origin: germline.
Comment: Variant summary: F9 c.658T>A (p.Ser220Thr) results in a conservative amino acid change in the encoded protein sequence. Algorithms developed to predict the effect of missense changes on protein structure and function all suggest that this variant is likely to be tolerated. The variant allele was found at a frequency of 0.00035 in 183477 control chromosomes in the gnomAD database, including 2 homozygotes and 15 hemizygotes. This frequency is not significantly higher than estimated for disease-causing variants in F9, allowing no conclusion about variant significance. However, the presence of so many homozygous and hemizygous controls would be unusual for even mild-moderate spectrum hemophilia. To our knowledge, no occurrence of c.658T>A in individuals affected with F9-related conditions and no experimental evidence demonstrating its impact on protein function have been reported. The following publications have been ascertained in the context of this evaluation (PMID: 25851415, 40514537). ClinVar contains an entry for this variant (Variation ID: 368001). Based on the evidence outlined above, the variant was classified as likely benign.

Labcorp Genetics (formerly Invitae), Labcorp
Classification: Benign for Thrombophilia, X-linked, due to factor 9 defect; Hereditary factor IX deficiency disease. Last evaluated: 2025-10-25. Review status: criteria provided, single submitter. Criteria: Invitae Variant Classification Sherloc (09022015). Collection method: clinical testing. Allele origin: germline.

Fulgent Genetics
Classification: Benign for Thrombophilia, X-linked, due to factor 9 defect; Warfarin sensitivity, X-linked; Hereditary factor IX deficiency disease. Last evaluated: 2021-10-20. Review status: criteria provided, single submitter. Criteria: ACMG Guidelines, 2015. Collection method: clinical testing. Allele origin: unknown.

Illumina Laboratory Services, Illumina
Classification: Likely benign for Hereditary factor IX deficiency disease. Last evaluated: 2017-04-28. Review status: criteria provided, single submitter. Criteria: ICSL Variant Classification Criteria 13 December 2019. Collection method: clinical testing. Allele origin: germline.
Comment: This variant was observed as part of a predisposition screen in an ostensibly healthy population. A literature search was performed for the gene, cDNA change, and amino acid change (where applicable). No publications were found based on this search. Allele frequency data from public databases allowed determination this variant is unlikely to cause disease. Therefore, this variant is classified as likely benign.

PreventionGenetics, part of Exact Sciences
Classification: Likely benign for F9-related condition. Last evaluated: 2019-07-09. Review status: no assertion criteria provided. Collection method: clinical testing. Allele origin: germline. Not counted in ClinVar's aggregate classification.
Comment: This variant is classified as likely benign based on ACMG/AMP sequence variant interpretation guidelines (Richards et al. 2015 PMID: 25741868, with internal and published modifications).

Literature cited by the submitters: PubMed 25851415 (cited by Women's Health and Genetics/Laboratory Corporation of America, LabCorp); PubMed 40514537 (cited by Women's Health and Genetics/Laboratory Corporation of America, LabCorp).